The following is an entry in ClinVar:

ClinVar aggregate classification (germline): Uncertain significance. Review status: reviewed by expert panel (3 of 4 stars). 3 submissions from 3 submitters: Uncertain significance (1). 2 of the submissions do not count toward it. Last evaluated 2023-08-22.

Conditions:
Mitochondrial disease. Also called: Mitochondrial disorder; Mitochondrial disorders. Identifiers: Orphanet 68380, MedGen C0751651, MeSH D028361, MONDO:0044970.
MELAS syndrome (MELAS). Also called: Juvenile myopathy, encephalopathy, lactic acidosis, stroke. Identifiers: Orphanet 550, MedGen C0162671, MONDO:0010789, OMIM 540000.

Submissions (3):

ClinGen Mitochondrial Disease Nuclear and Mitochondrial  Variant Curation Expert Panel, ClinGen
Classification: Uncertain significance for Mitochondrial disease. Last evaluated: 2023-08-22. Review status: reviewed by expert panel. Criteria: McCormick et al. (Hum Mutat. 2020). Collection method: curation. Allele origin: germline. Inheritance: Mitochondrial inheritance.
Comment: The m.12241del variant in MT-TS2 was reviewed by the Mitochondrial Disease Variant Curation Expert Panel on August 22, 2023. This variant has not been reported in the medical literature as causative in affected individuals or families with primary mitochondrial disease to our knowledge. There are several occurrences in population databases. The frequency in the MITOMAP GenBank sequences is 16/61,168 (0.026%). The frequency in the Helix dataset is 81/195,983 (0.041%) homoplasmic occurrences in addition to 22 heteroplasmic occurrences. The frequency in gnomAD v3.1.2 is 53/56,425 (0.094%) and these occurrences are homoplasmic in individuals from various backgrounds. In all three population databases, this variant is seen across individuals from different haplogroups. MitoTIP suggests this variant is benign (37th percentile; BP4). There are no cybrids, single fiber studies, or other functional assays reported on this variant. In summary, this variant meets criteria to be classified as uncertain significance for primary mitochondrial disease inherited in a mitochondrial manner. This classification was approved by the NICHD/NINDS U24 ClinGen Mitochondrial Disease Variant Curation Expert Panel on August 22, 2023. Mitochondrial DNA-specific ACMG/AMP criteria applied (PMID: 32906214): BP4.

Centre for Mendelian Genomics, University Medical Centre Ljubljana
Classification: Uncertain significance. Last evaluated: 2019-11-07. Review status: criteria provided, single submitter. Criteria: ACMG Guidelines, 2015. Collection method: clinical testing. Allele origin: unknown. Affected: yes. Not counted in ClinVar's aggregate classification.
Comment: This variant was classified as: Uncertain significance. The available evidence on this variant's pathogenicity is insufficient or conflicting. The following ACMG criteria were applied in classifying this variant: No criteria apply. This variant was detected in homozygous state.

Wong Mito Lab, Molecular and Human Genetics, Baylor College of Medicine
Classification: Benign for MELAS syndrome. Last evaluated: 2019-07-12. Review status: criteria provided, single submitter. Criteria: Modified ACMG Guidelines (Unpublished). Collection method: clinical testing. Allele origin: germline. Not counted in ClinVar's aggregate classification.
Comment: The NC_012920.1:m.12241delC variant in MT-TS2 gene is interpreted to be a Benign variant based on the modified ACMG guidelines (unpublished). This variant meets the following evidence codes reported in the guidelines: BS1, BS2

Literature cited by the submitters: PubMed 31965079 (cited by Wong Mito Lab, Molecular and Human Genetics, Baylor College of Medicine).

NC_012920.1(MT-TS2):m.12241del

Gene: MT-TS2 (mitochondrially encoded tRNA serine 2 (AGU/C); plus strand).
Variant type: Deletion.
Genome position: chrM-12236-GC-G.
Identifiers: ClinVar variation 690169 (VCV000690169.5), dbSNP rs1603223633, ClinGen allele CA915952144.